The following is an entry in ClinVar:

ClinVar aggregate classification (germline): Uncertain significance (1 of 4 stars; one submission).

Submission:

GeneDx
Classification: Uncertain significance. Last evaluated: 2024-02-08. Review status: criteria provided, single submitter. Criteria: GeneDx Variant Classification Process June 2021. Collection method: clinical testing. Allele origin: germline. Affected: yes.
Comment: Not observed at significant frequency in large population cohorts (gnomAD); In silico analysis supports that this missense variant does not alter protein structure/function; Has not been previously published as pathogenic or benign to our knowledge

NM_001127222.2(CACNA1A):c.1256C>T (p.Ala419Val)

Gene: CACNA1A (calcium voltage-gated channel subunit alpha1 A; minus strand). Cytogenetic location: 19p13.13.
Variant type: single nucleotide variant.
Coding change: c.1256C>T on transcript NM_001127222.2 (MANE Select); coding-DNA position 1256, C replaced by T.
Protein change: p.Ala419Val; replaces alanine 419 with valine.
Molecular consequence: missense variant.
Genome position (GRCh38, 1-based): chr19:13,330,333, G>A on the plus strand (C>T on the coding strand, the complement: CACNA1A is on the minus strand). VCF-style: chr19-13330333-G-A. GRCh37 (hg19) VCF-style: chr19-13441147-G-A.
Other names: c.1259C>T, p.Ala420Val (NM_000068.4, NM_001127221.2, NM_001174080.2 and 1 more transcripts); short protein forms A419V, A420V.
Identifiers: ClinVar variation 3369082 (VCV003369082.1).
Genomic context (GRCh38, chr19:13,330,333, plus strand): 5'-TCAGCCTCTTCGGGGTTGAGCAAATCTGTCTTGCTTTTCTTTATGGTGGTTCTCCGCAGA[G>A]CTCCAACAATGGAAACATGGCAAGAGAAAAAGACGTTACCCTTTTTGCAACACAGACCAT-3'
Protein context (NP_001120694.1, residues 409-429): TDGEQRHPFD[Ala419Val]LRRTTIKKSK